The following is an entry in ClinVar:

NM_001267550.2(TTN):c.82172G>A (p.Trp27391Ter)

Genes: TTN (titin; minus strand), TTN-AS1 (TTN antisense RNA 1; plus strand). Cytogenetic location: 2q31.2.
Variant type: single nucleotide variant.
Coding change: c.82172G>A on transcript NM_001267550.2 (MANE Select); coding-DNA position 82172, G replaced by A.
Protein change: p.Trp27391Ter; replaces tryptophan 27391 with a stop codon.
Molecular consequence: nonsense.
Genome position (GRCh38, 1-based): chr2:178,563,960, C>T on the plus strand (G>A on the coding strand, the complement: TTN is on the minus strand). VCF-style: chr2-178563960-C-T. GRCh37 (hg19) VCF-style: chr2-179428687-C-T.
Other names: c.77249G>A, p.Trp25750Ter (NM_001256850.1); c.54977G>A, p.Trp18326Ter (NM_003319.4); c.74468G>A, p.Trp24823Ter (NM_133378.4); c.55352G>A, p.Trp18451Ter (NM_133432.3); c.55553G>A, p.Trp18518Ter (NM_133437.4); short protein forms W18326*, W18518*, W18451*, W25750*, W24823*, W27391*.
Identifiers: ClinVar variation 1489101 (VCV001489101.10), dbSNP rs2154161781, ClinGen allele CA349575082.
Genomic context (GRCh38, chr2:178,563,960, plus strand): 5'-TCCCTCTTTTCAATGATGTAATGTGAAATATTAGCACCACCATCTTGCAAAGGTGGGTTC[C>T]ATGCCAGGTAACATTTTTCCGCAGTAACTCCAGTAACTTTCAGAGGCCCTTCAGGAGGCC-3'

ClinVar aggregate classification (germline): Likely pathogenic. Review status: criteria provided, multiple submitters, no conflicts (2 of 4 stars). 2 submissions from 2 submitters: Likely pathogenic (2). Last evaluated 2025-06-27.

Conditions:
Dilated cardiomyopathy 1G (CMD1G). Identifiers: Orphanet 154, MedGen C1858763, MONDO:0011400, OMIM 604145.
Autosomal recessive limb-girdle muscular dystrophy type 2J (LGMDR10). Also called: Limb-girdle muscular dystrophy, type 2J; MUSCULAR DYSTROPHY, LIMB-GIRDLE, AUTOSOMAL RECESSIVE 10. Identifiers: Orphanet 140922, MedGen C1837342, MONDO:0012127, OMIM 608807.

Submissions (2):

Victorian Clinical Genetics Services, Murdoch Childrens Research Institute
Classification: Likely pathogenic for Dilated cardiomyopathy 1G. Last evaluated: 2025-06-27. Review status: criteria provided, single submitter. Criteria: ACMG Guidelines, 2015. Collection method: clinical testing. Allele origin: germline. Affected: no.
Comment: This variant is classified as Likely pathogenic. Evidence in support of pathogenic classification: Variant is predicted to cause nonsense-mediated decay (NMD) and loss of protein (premature termination codon is located at least 54 nucleotides upstream of the final exon-exon junction); An alternate nucleotide change resulting in the same amino acid change is present in gnomAD <0.001 for a dominant condition (v4: 1 heterozygote(s), 0 homozygote(s)). - This variant has moderate previous evidence of pathogenicity in unrelated individuals. This variant as well as an alternate nucleotide change resulting in the same amino acid change have been classified once each as likely pathogenic by clinical laboratories in ClinVar. This variant has also been reported in the literature in two individuals from a cohort with dilated cardiomyopathy (PMID: 38473809); Other NMD-predicted variants comparable to the one identified in this case have strong previous evidence for pathogenicity (ClinVar). Additional information: This variant is heterozygous; This gene is associated with both recessive and dominant disease (OMIM); No published segregation evidence has been identified for this variant; No published functional evidence has been identified for this variant; Variant is located in the annotated A-band and the exon has a PSI score of 100% (PMID: 25589632); Loss of function is a known mechanism of disease in this gene. In addition, dominant negative is also a suggested mechanism (PMID: 25589632); The condition associated with this gene has incomplete penetrance. Variants in this gene that result in a premature termination codon (PTC) are known to have reduced penetrance in DCM (PMID: 25589632); Inheritance information for this variant is not currently available in this individual.

Labcorp Genetics (formerly Invitae), Labcorp
Classification: Likely pathogenic for Dilated cardiomyopathy 1G; Autosomal recessive limb-girdle muscular dystrophy type 2J. Last evaluated: 2022-07-25. Review status: criteria provided, single submitter. Criteria: Invitae Variant Classification Sherloc (09022015). Collection method: clinical testing. Allele origin: germline.
Comment: In summary, the currently available evidence indicates that the variant is pathogenic, but additional data are needed to prove that conclusively. Therefore, this variant has been classified as Likely Pathogenic. This variant is located in the A band of TTN (PMID: 25589632). Truncating variants in this region are significantly overrepresented in patients affected with dilated cardiomyopathy (PMID: 25589632). Truncating variants in this region have also been reported in individuals affected with autosomal recessive centronuclear myopathy (PMID: 23975875). Algorithms developed to predict the effect of sequence changes on RNA splicing suggest that this variant may create or strengthen a splice site. ClinVar contains an entry for this variant (Variation ID: 1489101). This variant has not been reported in the literature in individuals affected with TTN-related conditions. This variant is not present in population databases (gnomAD no frequency). This sequence change creates a premature translational stop signal (p.Trp27391*) in the TTN gene. While this is not anticipated to result in nonsense mediated decay, it is expected to create a truncated TTN protein.

Literature cited by the submitters: PubMed 38473809 (cited by Victorian Clinical Genetics Services, Murdoch Childrens Research Institute); PubMed 25589632 (cited by Victorian Clinical Genetics Services, Murdoch Childrens Research Institute and Labcorp Genetics (formerly Invitae), Labcorp); PubMed 23975875 (cited by Labcorp Genetics (formerly Invitae), Labcorp).